The following is an entry in ClinVar:

NM_001035.3(RYR2):c.2449C>G (p.Pro817Ala)

Gene: RYR2 (ryanodine receptor 2; plus strand). Cytogenetic location: 1q43.
Variant type: single nucleotide variant.
Coding change: c.2449C>G on transcript NM_001035.3 (MANE Select); coding-DNA position 2449, C replaced by G.
Protein change: p.Pro817Ala; replaces proline 817 with alanine.
Molecular consequence: missense variant.
Genome position (GRCh38, 1-based): chr1:237,503,341, C>G. VCF-style: chr1-237503341-C-G. GRCh37 (hg19) VCF-style: chr1-237666641-C-G.
Other names: c.2449C>G, p.Pro817Ala (LRG_402t1); short protein forms P817A.
Identifiers: ClinVar variation 195659 (VCV000195659.27), dbSNP rs780266883, ClinGen allele CA008854.

ClinVar aggregate classification (germline): Conflicting classifications of pathogenicity. Review status: criteria provided, conflicting classifications (1 of 4 stars). 6 submissions from 6 submitters: Uncertain significance (4); Likely benign (2). Last evaluated 2026-03-23.

Conditions:
Catecholaminergic polymorphic ventricular tachycardia (CVPT). Also called: Catecholamine-induced polymorphic ventricular tachycardia. Identifiers: Orphanet 3286, MedGen C5574922, MONDO:0017990.
Cardiomyopathy (CMYO). Also called: Cardiomyopathies. Identifiers: Orphanet 167848, MedGen C0878544, MONDO:0004994, HP:0001638. Inheritance: Various modes of inheritance.
Catecholaminergic polymorphic ventricular tachycardia 1. Also called: RYR2-Related Catecholaminergic Polymorphic Ventricular Tachycardia; VENTRICULAR TACHYCARDIA, STRESS-INDUCED POLYMORPHIC 1; VENTRICULAR TACHYCARDIA, CATECHOLAMINERGIC POLYMORPHIC, 1, WITH OR WITHOUT ATRIAL DYSFUNCTION AND/OR DILATED CARDIOMYOPATHY. Identifiers: Orphanet 3286, MedGen C1631597, MONDO:0011484, OMIM 604772.

Allele frequency attached by ClinVar (database versions not stated): gnomAD below 0.00001 and 0.00001; ExAC 0.00004; gnomAD exomes 0.00007; TOPMed 0.00008.
gnomAD v4.1: 18 of 1,613,854 alleles (0.0011%); highest among the groups gnomAD compares: East Asian, 0.029%; no homozygotes.

Submissions (6):

Women's Health and Genetics/Laboratory Corporation of America, LabCorp
Classification: Likely benign. Last evaluated: 2026-03-23. Review status: criteria provided, single submitter. Criteria: LabCorp Variant Classification Summary - May 2015. Collection method: clinical testing. Allele origin: germline.
Comment: Variant summary: RYR2 c.2449C>G (p.Pro817Ala) results in a non-conservative amino acid change in the encoded protein sequence. Algorithms developed to predict the effect of missense changes on protein structure and function are either unavailable or do not agree on the potential impact of this missense change. The variant allele was found at a frequency of 7.2e-05 in 248932 control chromosomes, predominantly at a frequency of 0.00095 within the East Asian subpopulation in the gnomAD database. The observed variant frequency within East Asian control individuals in the gnomAD database exceeds the estimated maximal expected allele frequency for disease-causing variants in RYR2. To our knowledge, no occurrence of c.2449C>G in individuals affected with RYR2-related conditions and no experimental evidence demonstrating its impact on protein function have been reported. ClinVar contains an entry for this variant (Variation ID: 195659). Based on the evidence outlined above, the variant was classified as likely benign.

Labcorp Genetics (formerly Invitae), Labcorp
Classification: Likely benign for Catecholaminergic polymorphic ventricular tachycardia 1. Last evaluated: 2025-08-09. Review status: criteria provided, single submitter. Criteria: Invitae Variant Classification Sherloc (09022015). Collection method: clinical testing. Allele origin: germline.

All of Us Research Program, National Institutes of Health
Classification: Uncertain significance for Catecholaminergic polymorphic ventricular tachycardia. Last evaluated: 2024-09-23. Review status: criteria provided, single submitter. Criteria: ACMG Guidelines, 2015. Collection method: clinical testing. Allele origin: germline. Inheritance: Autosomal dominant inheritance. Observed: 6 variant alleles, 6 heterozygotes.
Comment: This missense variant replaces proline with alanine at codon 817 of the RYR2 protein. Computational prediction suggests that this variant may not impact protein structure and function (internally defined REVEL score threshold <= 0.5, PMID: 27666373). Computational splicing tools suggest that this variant may impact the RNA splicing. To our knowledge, functional studies have not been reported for this variant. This variant has not been reported in individuals affected with RYR2-related disorders in the literature. This variant has been identified in 18/248932 chromosomes in the general population by the Genome Aggregation Database (gnomAD). The available evidence is insufficient to determine the role of this variant in disease conclusively. Therefore, this variant is classified as a Variant of Uncertain Significance.

This study involves interpretation of variants in research participants for the purpose of population health screening. Participant phenotype was not available at the time of variant classification. Additional details can be found in publication PMID: 35346344, PMCID: PMC8962531

Color Diagnostics, LLC DBA Color Health
Classification: Uncertain significance for Cardiomyopathy. Last evaluated: 2024-03-13. Review status: criteria provided, single submitter. Criteria: ACMG Guidelines, 2015. Collection method: clinical testing. Allele origin: germline.
Comment: This missense variant replaces proline with alanine at codon 817 of the RYR2 protein. Computational prediction suggests that this variant may not impact protein structure and function (internally defined REVEL score threshold <= 0.5, PMID: 27666373). Computational splicing tools suggest that this variant may impact the RNA splicing. To our knowledge, functional studies have not been reported for this variant. This variant has not been reported in individuals affected with RYR2-related disorders in the literature. This variant has been identified in 18/248932 chromosomes in the general population by the Genome Aggregation Database (gnomAD). The available evidence is insufficient to determine the role of this variant in disease conclusively. Therefore, this variant is classified as a Variant of Uncertain Significance.

GeneDx
Classification: Uncertain significance. Last evaluated: 2023-05-11. Review status: criteria provided, single submitter. Criteria: GeneDx Variant Classification Process June 2021. Collection method: clinical testing. Allele origin: germline. Affected: yes.
Comment: Has not been previously published as pathogenic or benign to our knowledge; Not located in one of the three hot-spot regions of the RYR2 gene, where the majority of pathogenic missense variants occur (Medeiros-Domingo et al., 2009); At the protein level, in silico analysis supports that this missense variant has a deleterious effect on protein structure/function; At the mRNA level, in silico analysis suggests this variant may impact gene splicing. In the absence of RNA/functional studies, the actual effect of this sequence change is unknown.; This variant is associated with the following publications: (PMID: 19926015)

Eurofins Ntd Llc (ga)
Classification: Uncertain significance. Last evaluated: 2015-04-08. Review status: criteria provided, single submitter. Criteria: EGL Classification Definitions 2015. Collection method: clinical testing. Allele origin: germline.